The following is an entry in ClinVar:

NM_001375567.1(FOCAD):c.3155C>A (p.Pro1052Gln)

Gene: FOCAD (focadhesin; plus strand). Cytogenetic location: 9p21.3.
Variant type: single nucleotide variant.
Coding change: c.3155C>A on transcript NM_001375567.1 (MANE Select); coding-DNA position 3155, C replaced by A.
Protein change: p.Pro1052Gln; replaces proline 1052 with glutamine.
Molecular consequence: missense variant.
Genome position (GRCh38, 1-based): chr9:20,929,434, C>A. VCF-style: chr9-20929434-C-A. GRCh37 (hg19) VCF-style: chr9-20929433-C-A.
Other names: c.3050C>A, p.Pro1017Gln (NM_001375568.1, NM_001375570.1); c.3155C>A, p.Pro1052Gln (NM_017794.5); short protein forms P1017Q, P1052Q.
Identifiers: ClinVar variation 4751341 (VCV004751341.1).

ClinVar aggregate classification (germline): Uncertain significance (1 of 4 stars; one submission).

gnomAD v4.1: 26 of 1,614,094 alleles (0.0016%); highest among the groups gnomAD compares: Middle Eastern, 0.066%; no homozygotes.

Submission:

Labcorp Genetics (formerly Invitae), Labcorp
Classification: Uncertain significance. Last evaluated: 2025-12-22. Review status: criteria provided, single submitter. Criteria: Invitae Variant Classification Sherloc (09022015). Collection method: clinical testing. Allele origin: germline.
Comment: This sequence change replaces proline, which is neutral and non-polar, with glutamine, which is neutral and polar, at codon 1052 of the FOCAD protein (p.Pro1052Gln). This variant is present in population databases (rs143958174, gnomAD 0.009%). This variant has not been reported in the literature in individuals affected with FOCAD-related conditions. Experimental studies and prediction algorithms are not available or were not evaluated, and the functional significance of this variant is currently unknown. In summary, the available evidence is currently insufficient to determine the role of this variant in disease. Therefore, it has been classified as a Variant of Uncertain Significance.